The following is an entry in ClinVar:

NM_001062.4(TCN1):c.1171G>T (p.Gly391Cys)

Gene: TCN1 (transcobalamin 1; minus strand). Cytogenetic location: 11q12.1.
Variant type: single nucleotide variant.
Coding change: c.1171G>T on transcript NM_001062.4 (MANE Select); coding-DNA position 1171, G replaced by T.
Protein change: p.Gly391Cys; replaces glycine 391 with cysteine.
Molecular consequence: missense variant.
Genome position (GRCh38, 1-based): chr11:59,853,272, C>A on the plus strand (G>T on the coding strand, the complement: TCN1 is on the minus strand). VCF-style: chr11-59853272-C-A. GRCh37 (hg19) VCF-style: chr11-59620745-C-A.
Other names: short protein forms G391C.
Identifiers: ClinVar variation 2098662 (VCV002098662.4), dbSNP rs1250027265, ClinGen allele CA380805438.
Genomic context (GRCh38, chr11:59,853,272, plus strand): 5'-GTGGTTCGCCTCCACTCAGAAGTTCCCAGTAGGTTCTGTCATTATTGTTGGCACATAGGC[C>A]CTGAATACAGGTGATATAGGGCCCCCATGAGCGCTCCTCCATTGTGAAACTGTGGGTGAC-3'
Protein context (NP_001053.2, residues 381-401): SWGPYITCIQ[Gly391Cys]LCANNNDRTY

ClinVar aggregate classification (germline): Uncertain significance (1 of 4 stars; one submission).

Conditions:
Transcobalamin I deficiency (TCN1D). Also called: TCN1 DEFICIENCY; COBALAMIN PSEUDODEFICIENCY DUE TO TRANSCOBALAMIN DEFICIENCY; COBALAMIN R BINDER PROTEIN DEFICIENCY. Identifiers: Orphanet 2967, MedGen C0342700, MONDO:0008659, OMIM 193090.

Submission:

Labcorp Genetics (formerly Invitae), Labcorp
Classification: Uncertain significance for Transcobalamin I deficiency. Last evaluated: 2022-11-29. Review status: criteria provided, single submitter. Criteria: Invitae Variant Classification Sherloc (09022015). Collection method: clinical testing. Allele origin: germline.
Comment: This sequence change replaces glycine, which is neutral and non-polar, with cysteine, which is neutral and slightly polar, at codon 391 of the TCN1 protein (p.Gly391Cys). In summary, the available evidence is currently insufficient to determine the role of this variant in disease. Therefore, it has been classified as a Variant of Uncertain Significance. Algorithms developed to predict the effect of missense changes on protein structure and function are either unavailable or do not agree on the potential impact of this missense change (SIFT: "Deleterious"; PolyPhen-2: "Benign"; Align-GVGD: "Class C0"). This variant has not been reported in the literature in individuals affected with TCN1-related conditions. This variant is not present in population databases (gnomAD no frequency).